The following is an entry in ClinVar:

ClinVar aggregate classification (germline): Likely benign (1 of 4 stars; one submission).

Allele frequency attached by ClinVar (database versions not stated): ExAC 0.00002; gnomAD 0.00002; ESP Exome Variant Server 0.00015.

Submission:

CeGaT Center for Human Genetics Tuebingen
Classification: Likely benign. Last evaluated: 2023-02-01. Review status: criteria provided, single submitter. Criteria: CeGaT Center For Human Genetics Tuebingen Variant Classification Criteria Version 2. Collection method: clinical testing. Allele origin: germline. Affected: yes. Observed: 1 variant allele.
Comment: PTK6: BP4, BP7

NM_005975.4(PTK6):c.108C>T (p.His36=)

Gene: PTK6 (protein tyrosine kinase 6; minus strand). Cytogenetic location: 20q13.33.
Variant type: single nucleotide variant.
Coding change: c.108C>T on transcript NM_005975.4 (MANE Select); coding-DNA position 108, C replaced by T.
Protein change: p.His36=; no amino-acid change (histidine 36 retained).
Molecular consequence: synonymous variant.
Genome position (GRCh38, 1-based): chr20:63,537,207, G>A on the plus strand (C>T on the coding strand, the complement: PTK6 is on the minus strand). VCF-style: chr20-63537207-G-A. GRCh37 (hg19) VCF-style: chr20-62168560-G-A.
Other names: c.108C>T, p.His36= (NM_001256358.2).
Identifiers: ClinVar variation 2652544 (VCV002652544.24), dbSNP rs148206034, ClinGen allele CA9959986.